The following is an entry in ClinVar:

NM_006009.4(TUBA1A):c.465A>C (p.Glu155Asp)

Gene: TUBA1A (tubulin alpha 1a; minus strand). Cytogenetic location: 12q13.12.
Variant type: single nucleotide variant.
Coding change: c.465A>C on transcript NM_006009.4 (MANE Select); coding-DNA position 465, A replaced by C.
Protein change: p.Glu155Asp; replaces glutamic acid 155 with aspartic acid.
Molecular consequence: missense variant.
Genome position (GRCh38, 1-based): chr12:49,185,901, T>G on the plus strand (A>C on the coding strand, the complement: TUBA1A is on the minus strand). VCF-style: chr12-49185901-T-G. GRCh37 (hg19) VCF-style: chr12-49579684-T-G.
Other names: c.465A>C, p.Glu155Asp (NM_001270399.2); c.360A>C, p.Glu120Asp (NM_001270400.2); short protein forms E120D, E155D.
Identifiers: ClinVar variation 4685070 (VCV004685070.1).

ClinVar aggregate classification (germline): Pathogenic (1 of 4 stars; one submission).

Submission:

GeneDx
Classification: Pathogenic. Last evaluated: 2025-07-11. Review status: criteria provided, single submitter. Criteria: GeneDx Variant Classification Process June 2021. Collection method: clinical testing. Allele origin: germline. Affected: yes.
Comment: Not observed at significant frequency in large population cohorts (gnomAD); Missense variants in this gene are a common cause of disease and they are underrepresented in the general population; In silico analysis supports that this missense variant has a deleterious effect on protein structure/function; This variant is associated with the following publications: (PMID: 27572814, 33413009)